The following is an entry in ClinVar:

NM_001605.3(AARS1):c.1275T>C (p.Thr425=)

Gene: AARS1 (alanyl-tRNA synthetase 1; minus strand). Cytogenetic location: 16q22.1.
Variant type: single nucleotide variant.
Coding change: c.1275T>C on transcript NM_001605.3 (MANE Select); coding-DNA position 1275, T replaced by C.
Protein change: p.Thr425=; no amino-acid change (threonine 425 retained).
Molecular consequence: synonymous variant.
Genome position (GRCh38, 1-based): chr16:70,265,610, A>G on the plus strand (T>C on the coding strand, the complement: AARS1 is on the minus strand). VCF-style: chr16-70265610-A-G. GRCh37 (hg19) VCF-style: chr16-70299513-A-G.
Identifiers: ClinVar variation 389061 (VCV000389061.42), dbSNP rs750552137, ClinGen allele CA8140861.

ClinVar aggregate classification (germline): Conflicting classifications of pathogenicity. Review status: criteria provided, conflicting classifications (1 of 4 stars). 5 submissions from 5 submitters: Uncertain significance (1); Likely benign (4). Last evaluated 2024-12-04.

Conditions:
Inborn genetic diseases. Identifiers: MedGen C0950123, MeSH D030342.
Charcot-Marie-Tooth disease type 2. Also called: Charcot-Marie-Tooth type 2. Identifiers: Orphanet 64746, MedGen C0270914, MONDO:0018993.

Allele frequency attached by ClinVar (database versions not stated): TOPMed 0.00001; gnomAD exomes 0.00002; gnomAD 0.00003; ExAC 0.00004.

Submissions (5):

Labcorp Genetics (formerly Invitae), Labcorp
Classification: Likely benign for Charcot-Marie-Tooth disease type 2. Last evaluated: 2024-12-04. Review status: criteria provided, single submitter. Criteria: Invitae Variant Classification Sherloc (09022015). Collection method: clinical testing. Allele origin: germline.

CeGaT Center for Human Genetics Tuebingen
Classification: Likely benign. Last evaluated: 2023-03-01. Review status: criteria provided, single submitter. Criteria: CeGaT Center For Human Genetics Tuebingen Variant Classification Criteria Version 2. Collection method: clinical testing. Allele origin: germline. Affected: yes. Observed: 1 variant allele.
Comment: AARS1: BP4, BP7

Ambry Genetics
Classification: Likely benign for Inborn genetic diseases. Last evaluated: 2019-07-11. Review status: criteria provided, single submitter. Criteria: Ambry Variant Classification Scheme 2023. Collection method: clinical testing. Allele origin: germline.

Eurofins Ntd Llc (ga)
Classification: Uncertain significance. Last evaluated: 2017-06-12. Review status: criteria provided, single submitter. Criteria: EGL Classification Definitions 2015. Collection method: clinical testing. Allele origin: germline. Observed: 1 variant allele, 1 heterozygote.

GeneDx
Classification: Likely benign. Last evaluated: 2016-09-01. Review status: criteria provided, single submitter. Criteria: GeneDx Variant Classification (06012015). Collection method: clinical testing. Allele origin: germline. Affected: yes.
Comment: This variant is considered likely benign or benign based on one or more of the following criteria: it is a conservative change, it occurs at a poorly conserved position in the protein, it is predicted to be benign by multiple in silico algorithms, and/or has population frequency not consistent with disease.